The following is an entry in ClinVar:

ClinVar aggregate classification (germline): Pathogenic (1 of 4 stars; one submission).

Conditions:
Joubert syndrome. Also called: CEREBELLOPARENCHYMAL DISORDER IV; JOUBERT-BOLTSHAUSER SYNDROME; Familial aplasia of the vermis. Identifiers: Orphanet 475, MedGen C5979921, MONDO:0018772.
Meckel-Gruber syndrome. Also called: DYSENCEPHALIA SPLANCHNOCYSTICA; GRUBER SYNDROME; Dysencephalia splachnocystica. Identifiers: Orphanet 564, MedGen C0265215, MONDO:0018921.
Nephronophthisis. Also called: Juvenile Nephronophthisis. Identifiers: Orphanet 655, MedGen C0687120, MONDO:0019005, HP:0000090.

Submission:

Labcorp Genetics (formerly Invitae), Labcorp
Classification: Pathogenic for Joubert syndrome; Meckel-Gruber syndrome; Nephronophthisis. Last evaluated: 2022-10-05. Review status: criteria provided, single submitter. Criteria: Invitae Variant Classification Sherloc (09022015). Collection method: clinical testing. Allele origin: germline.
Comment: This variant is not present in population databases (gnomAD no frequency). For these reasons, this variant has been classified as Pathogenic. This variant has not been reported in the literature in individuals affected with CEP290-related conditions. This sequence change creates a premature translational stop signal (p.Gln273Serfs*2) in the CEP290 gene. It is expected to result in an absent or disrupted protein product. Loss-of-function variants in CEP290 are known to be pathogenic (PMID: 16909394, 17345604, 20690115).

Literature cited by the submitters: PubMed 16909394; PubMed 17345604; PubMed 20690115.

NM_025114.4(CEP290):c.816del (p.Gln273fs)

Gene: CEP290 (centrosomal protein 290; minus strand). Cytogenetic location: 12q21.32.
Variant type: Deletion.
Coding change: c.816del on transcript NM_025114.4 (MANE Select); coding-DNA position 816, one base deleted (T; older notation c.816delT).
Protein change: p.Gln273fs; shifts the reading frame from glutamine 273.
Molecular consequence: frameshift variant.
Genome position (GRCh38, 1-based): chr12:88,129,730, A deleted on the plus strand (T on the coding strand, the reverse complement: CEP290 is on the minus strand). VCF-style (leftmost placement, unchanged base first): chr12-88129729-GA-G. GRCh37 (hg19) VCF-style: chr12-88523506-GA-G.
Other names: short protein forms Q273fs.
Identifiers: ClinVar variation 2028945 (VCV002028945.4), dbSNP rs2501466847, ClinGen allele CA2580086764.
Genomic context (GRCh38, chr12:88,129,729, plus strand): 5'-AAGTTATTCTAAAAGTAATTCTTACTTGAAGTTGATAATGATCGTTTTCTTTTTTTAACT[GA>G]TCTATTACATTATCTGTCTGATGCACAATAGCTTTCATTCTATTATATTCATCAGTCATC-3'